The following is an entry in ClinVar:

NM_001077350.3(NPRL3):c.1090G>T (p.Val364Phe)

Genes: HBA-LCR (alpha-globin locus control region; plus strand), NPRL3 (NPR3 like, GATOR1 complex subunit; minus strand). Cytogenetic location: 16p13.3.
Variant type: single nucleotide variant.
Coding change: c.1090G>T on transcript NM_001077350.3 (MANE Select); coding-DNA position 1090, G replaced by T.
Protein change: p.Val364Phe; replaces valine 364 with phenylalanine.
Molecular consequence: missense variant.
Genome position (GRCh38, 1-based): chr16:92,667, C>A on the plus strand (G>T on the coding strand, the complement: NPRL3 is on the minus strand). VCF-style: chr16-92667-C-A. GRCh37 (hg19) VCF-style: chr16-142665-C-A.
Other names: c.553G>T, p.Val185Phe (NM_001039476.3); c.856G>T, p.Val286Phe (NM_001243247.2); c.1015G>T, p.Val339Phe (NM_001243248.2, NM_001243249.2); short protein forms V185F, V286F, V339F, V364F.
Identifiers: ClinVar variation 3897514 (VCV003897514.1).

ClinVar aggregate classification (germline): Uncertain significance (1 of 4 stars; one submission).

Submission:

GeneDx
Classification: Uncertain significance. Last evaluated: 2024-11-01. Review status: criteria provided, single submitter. Criteria: GeneDx Variant Classification Process June 2021. Collection method: clinical testing. Allele origin: germline. Affected: yes.
Comment: Not observed at significant frequency in large population cohorts (gnomAD); In silico analysis supports that this missense variant has a deleterious effect on protein structure/function; Has not been previously published as pathogenic or benign to our knowledge